The following is an entry in ClinVar:

ClinVar aggregate classification (germline): Benign/Likely benign. Review status: criteria provided, multiple submitters, no conflicts (2 of 4 stars). 5 submissions from 5 submitters: Benign (1); Likely benign (4). Last evaluated 2025-03-09.

Conditions:
Hereditary cancer-predisposing syndrome. Also called: Hereditary neoplastic syndrome; Tumor predisposition; Hereditary Cancer Syndrome; Neoplastic Syndromes, Hereditary. Identifiers: Orphanet 140162, MedGen C0027672, MeSH D009386, MONDO:0015356.
Lynch syndrome 5 (LYNCH5). Also called: Colorectal cancer, hereditary nonpolyposis, type 5; Hereditary non-polyposis colorectal cancer, type 5. Identifiers: Orphanet 144, MedGen C1833477, MONDO:0013710, OMIM 614350. Disease mechanism: loss of function.
Hereditary nonpolyposis colorectal neoplasms. Identifiers: MedGen C0009405, MeSH D003123.

Allele frequency attached by ClinVar (database versions not stated): gnomAD exomes below 0.00001; ExAC 0.00001.
gnomAD v4.1: 5 of 1,614,162 alleles (0.00031%); highest among the groups gnomAD compares: Non-Finnish European, 0.00042%; no homozygotes.

Submissions (5):

Labcorp Genetics (formerly Invitae), Labcorp
Classification: Likely benign for Hereditary nonpolyposis colorectal neoplasms. Last evaluated: 2025-03-09. Review status: criteria provided, single submitter. Criteria: Invitae Variant Classification Sherloc (09022015). Collection method: clinical testing. Allele origin: germline.

Myriad Genetics, Inc.
Classification: Benign for Lynch syndrome 5. Last evaluated: 2024-12-27. Review status: criteria provided, single submitter. Criteria: Myriad Autosomal Dominant, Autosomal Recessive and X-Linked Classification Criteria (2023). Collection method: clinical testing. Allele origin: unknown.
Comment: This variant is considered benign. This variant is a silent/synonymous amino acid change and it is not expected to impact splicing.

Quest Diagnostics Nichols Institute San Juan Capistrano
Classification: Likely benign. Last evaluated: 2023-06-21. Review status: criteria provided, single submitter. Criteria: Quest Diagnostics criteria. Collection method: clinical testing. Allele origin: unknown.

Ambry Genetics
Classification: Likely benign for Hereditary cancer-predisposing syndrome. Last evaluated: 2018-06-11. Review status: criteria provided, single submitter. Criteria: Ambry Variant Classification Scheme 2023. Collection method: clinical testing. Allele origin: germline.

Color Diagnostics, LLC DBA Color Health
Classification: Likely benign for Hereditary cancer-predisposing syndrome. Last evaluated: 2017-05-09. Review status: criteria provided, single submitter. Criteria: ACMG Guidelines, 2015. Collection method: clinical testing. Allele origin: germline.

NM_000179.3(MSH6):c.1659T>C (p.Thr553=)

Gene: MSH6 (mutS homolog 6; plus strand). Cytogenetic location: 2p16.3.
Variant type: single nucleotide variant.
Coding change: c.1659T>C on transcript NM_000179.3 (MANE Select); coding-DNA position 1659, T replaced by C.
Protein change: p.Thr553=; no amino-acid change (threonine 553 retained).
Molecular consequence: synonymous variant.
Genome position (GRCh38, 1-based): chr2:47,799,642, T>C. VCF-style: chr2-47799642-T-C. GRCh37 (hg19) VCF-style: chr2-48026781-T-C.
Other names: c.1269T>C, p.Thr423= (NM_001281492.2); c.753T>C, p.Thr251= (NM_001281493.2, NM_001281494.2).
Identifiers: ClinVar variation 491879 (VCV000491879.20), dbSNP rs769828338, ClinGen allele CA067971.
Genomic context (GRCh38, chr2:47,799,642, plus strand): 5'-GAACTACAGTAAGTATCTTCTTAGCCTCAAAGAAAAAGAGGAAGATTCTTCTGGCCATAC[T>C]CGTGCATATGGTGTGTGCTTTGTTGATACTTCACTGGGAAAGTTTTTCATAGGTCAGTTT-3'
Protein context (NP_000170.1, residues 543-563): KEKEEDSSGH[Thr553=]RAYGVCFVDT